The following is an entry in ClinVar:

NM_018433.6(KDM3A):c.1022del (p.Ser341fs)

Gene: KDM3A (lysine demethylase 3A; plus strand). Cytogenetic location: 2p11.2.
Variant type: Deletion.
Coding change: c.1022del on transcript NM_018433.6 (MANE Select); coding-DNA position 1022, one base deleted (G; older notation c.1022delG).
Protein change: p.Ser341fs; shifts the reading frame from serine 341.
Molecular consequence: frameshift variant.
Genome position (GRCh38, 1-based): chr2:86,466,386, G deleted. VCF-style (leftmost placement, unchanged base first): chr2-86466385-AG-A. GRCh37 (hg19) VCF-style: chr2-86693508-AG-A.
Other names: c.1022del, p.Ser341fs (NM_001146688.2); short protein forms S341fs.
Identifiers: ClinVar variation 835013 (VCV000835013.1), dbSNP rs1673147899, ClinGen allele CA916082544.

ClinVar aggregate classification (germline): Uncertain significance (1 of 4 stars; one submission).

Submission:

Labcorp Genetics (formerly Invitae), Labcorp
Classification: Uncertain significance. Last evaluated: 2019-12-24. Review status: criteria provided, single submitter. Criteria: Invitae Variant Classification Sherloc (09022015). Collection method: clinical testing. Allele origin: germline.
Comment: This sequence change creates a premature translational stop signal (p.Ser341Ilefs*10) in the KDM3A gene. It is expected to result in an absent or disrupted protein product. This variant is not present in population databases (ExAC no frequency). This variant has not been reported in the literature in individuals with KDM3A-related conditions. The current clinical and genetic evidence is not sufficient to establish whether loss-of-function variants in KDM3A cause disease. In summary, the available evidence is currently insufficient to determine the role of this variant in disease. Therefore, it has been classified as a Variant of Uncertain Significance.